The following is an entry in ClinVar:

NM_001040142.2(SCN2A):c.3179A>T (p.Glu1060Val)

Gene: SCN2A (sodium voltage-gated channel alpha subunit 2; plus strand). Cytogenetic location: 2q24.3.
Variant type: single nucleotide variant.
Coding change: c.3179A>T on transcript NM_001040142.2 (MANE Select); coding-DNA position 3179, A replaced by T.
Protein change: p.Glu1060Val; replaces glutamic acid 1060 with valine.
Molecular consequence: missense variant.
Genome position (GRCh38, 1-based): chr2:165,354,451, A>T. VCF-style: chr2-165354451-A-T. GRCh37 (hg19) VCF-style: chr2-166210961-A-T.
Other names: c.3179A>T, p.Glu1060Val (NM_001040143.2, NM_001371246.1, NM_001371247.1 and 1 more transcripts); short protein forms E1060V.
Identifiers: ClinVar variation 2952171 (VCV002952171.5), dbSNP rs2468036259, ClinGen allele CA349021062.

ClinVar aggregate classification (germline): Uncertain significance. Review status: criteria provided, multiple submitters, no conflicts (2 of 4 stars). 2 submissions from 2 submitters: Uncertain significance (2). Last evaluated 2023-12-15.

Conditions:
Developmental and epileptic encephalopathy, 11 (DEE11). Also called: Early infantile epileptic encephalopathy 11. Identifiers: Orphanet 1934, MedGen C3150987, MONDO:0013388, OMIM 613721.
Seizures, benign familial infantile, 3 (BFIS3). Also called: Familial neonatal seizures; CONVULSIONS, BENIGN FAMILIAL INFANTILE, 3. Identifiers: Orphanet 140927, Orphanet 306, MedGen C1843140, MONDO:0011904, OMIM 607745.

Submissions (2):

Clinical Genomic Analysis (GENYSIS) Core, University of North Carolina at Chapel Hill
Classification: Uncertain significance for Developmental and epileptic encephalopathy, 11. Last evaluated: 2023-12-15. Review status: criteria provided, single submitter. Criteria: ACMG Guidelines, 2015. Collection method: research. Allele origin: unknown. Observed: 1 heterozygote. Study: UNC Genetic Determinants of Neurological and Developmental Disorders (GDNDD) Study.
Comment: SCN2A c.3179A>T, p.(Glu1060Val), is a missense variant that changes a single amino acid from a conserved glutamic acid to a valine. This variant has not previously been reported in the literature or ClinVar, and is not present in control individuals in the gnomADv3.1 population database. The SCN2A gene is highly constrained for missense variants and multiple in silico models predict that the c.3179A>T variant has a damaging effect on the protein. However, this information is not sufficient to prove pathogenicity. Given the available evidence, this variant is classified as a variant of uncertain significance.

Labcorp Genetics (formerly Invitae), Labcorp
Classification: Uncertain significance for Seizures, benign familial infantile, 3; Developmental and epileptic encephalopathy, 11. Last evaluated: 2023-09-22. Review status: criteria provided, single submitter. Criteria: Invitae Variant Classification Sherloc (09022015). Collection method: clinical testing. Allele origin: germline.
Comment: In summary, the available evidence is currently insufficient to determine the role of this variant in disease. Therefore, it has been classified as a Variant of Uncertain Significance. Advanced modeling of protein sequence and biophysical properties (such as structural, functional, and spatial information, amino acid conservation, physicochemical variation, residue mobility, and thermodynamic stability) performed at Invitae indicates that this missense variant is expected to disrupt SCN2A protein function. This variant has not been reported in the literature in individuals affected with SCN2A-related conditions. This variant is not present in population databases (gnomAD no frequency). This sequence change replaces glutamic acid, which is acidic and polar, with valine, which is neutral and non-polar, at codon 1060 of the SCN2A protein (p.Glu1060Val).